The following is an entry in ClinVar:

ClinVar aggregate classification (germline): Uncertain significance (1 of 4 stars; one submission).

Allele frequency attached by ClinVar (database versions not stated): TOPMed 0.00001; gnomAD 0.00002.
gnomAD v4.1: 4 of 1,476,106 alleles (0.00027%); highest among the groups gnomAD compares: African/African-American, 0.0059%; no homozygotes.

Submission:

GeneDx
Classification: Uncertain significance. Last evaluated: 2023-01-19. Review status: criteria provided, single submitter. Criteria: GeneDx Variant Classification Process June 2021. Collection method: clinical testing. Allele origin: germline.
Comment: Not observed at significant frequency in large population cohorts (gnomAD); In silico analysis supports that this missense variant does not alter protein structure/function; Has not been previously published as pathogenic or benign to our knowledge

NM_170606.3(KMT2C):c.23G>C (p.Ser8Thr)

Gene: KMT2C (lysine methyltransferase 2C; minus strand). Cytogenetic location: 7q36.1.
Variant type: single nucleotide variant.
Coding change: c.23G>C on transcript NM_170606.3 (MANE Select); coding-DNA position 23, G replaced by C.
Protein change: p.Ser8Thr; replaces serine 8 with threonine.
Molecular consequence: missense variant.
Genome position (GRCh38, 1-based): chr7:152,435,764, C>G on the plus strand (G>C on the coding strand, the complement: KMT2C is on the minus strand). VCF-style: chr7-152435764-C-G. GRCh37 (hg19) VCF-style: chr7-152132849-C-G.
Other names: short protein forms S8T.
Identifiers: ClinVar variation 1800965 (VCV001800965.2), dbSNP rs1398617617, ClinGen allele CA370104672.